The following is an entry in ClinVar:

NM_015978.3(TNNI3K):c.254G>A (p.Arg85Gln)

Genes: TNNI3K (TNNI3 interacting kinase; plus strand), FPGT-TNNI3K (FPGT-TNNI3K readthrough; plus strand). Cytogenetic location: 1p31.1.
Variant type: single nucleotide variant.
Coding change: c.254G>A on transcript NM_015978.3 (MANE Select); coding-DNA position 254, G replaced by A.
Protein change: p.Arg85Gln; replaces arginine 85 with glutamine.
Molecular consequence: missense variant.
Genome position (GRCh38, 1-based): chr1:74,250,690, G>A. VCF-style: chr1-74250690-G-A. GRCh37 (hg19) VCF-style: chr1-74716374-G-A.
Other names: c.557G>A, p.Arg186Gln (NM_001112808.3, NM_001199327.2); c.254G>A (NM_015978.2); short protein forms R186Q, R85Q.
Identifiers: ClinVar variation 2055602 (VCV002055602.5), dbSNP rs200318618, ClinGen allele CA908839.

ClinVar aggregate classification (germline): Uncertain significance. Review status: criteria provided, multiple submitters, no conflicts (2 of 4 stars). 2 submissions from 2 submitters: Uncertain significance (2). Last evaluated 2025-10-01.

Conditions:
Inborn genetic diseases. Identifiers: MedGen C0950123, MeSH D030342.

Allele frequency attached by ClinVar (database versions not stated): gnomAD 0.00001; TOPMed 0.00003; ExAC 0.00006.
gnomAD v4.1: 24 of 1,609,972 alleles (0.0015%); highest among the groups gnomAD compares: African/African-American, 0.0027%; no homozygotes.

Submissions (2):

Labcorp Genetics (formerly Invitae), Labcorp
Classification: Uncertain significance. Last evaluated: 2025-10-01. Review status: criteria provided, single submitter. Criteria: Invitae Variant Classification Sherloc (09022015). Collection method: clinical testing. Allele origin: germline.
Comment: This sequence change replaces arginine, which is basic and polar, with glutamine, which is neutral and polar, at codon 85 of the TNNI3K protein (p.Arg85Gln). The frequency data for this variant in the population databases is considered unreliable, as metrics indicate poor data quality at this position in the gnomAD database. This variant has not been reported in the literature in individuals affected with TNNI3K-related conditions. ClinVar contains an entry for this variant (Variation ID: 2055602). Invitae Evidence Modeling of protein sequence and biophysical properties (such as structural, functional, and spatial information, amino acid conservation, physicochemical variation, residue mobility, and thermodynamic stability) indicates that this missense variant is not expected to disrupt TNNI3K protein function with a negative predictive value of 80%. In summary, the available evidence is currently insufficient to determine the role of this variant in disease. Therefore, it has been classified as a Variant of Uncertain Significance.

Ambry Genetics
Classification: Uncertain significance for Inborn genetic diseases. Last evaluated: 2025-01-28. Review status: criteria provided, single submitter. Criteria: Ambry Variant Classification Scheme 2023. Collection method: clinical testing. Allele origin: germline.